The following is an entry in ClinVar:

NM_001370298.3(FGD4):c.1454del (p.Pro485fs)

Gene: FGD4 (FYVE, RhoGEF and PH domain containing 4; plus strand). Cytogenetic location: 12p11.21.
Variant type: Deletion.
Coding change: c.1454del on transcript NM_001370298.3 (MANE Select); coding-DNA position 1454, one base deleted (C; older notation c.1454delC).
Protein change: p.Pro485fs; shifts the reading frame from proline 485.
Molecular consequence: frameshift variant.
Genome position (GRCh38, 1-based): chr12:32,608,006, C deleted; the last of 2 consecutive C bases (chr12:32,608,005-32,608,006); deleting either gives the same sequence. VCF-style (leftmost placement, unchanged base first): chr12-32608004-AC-A. GRCh37 (hg19) VCF-style: chr12-32760938-AC-A.
Other names: c.1043del, p.Pro348fs (NM_001384127.1, NM_001384128.1, NM_001385118.1 and 1 more transcripts); c.1043delC (NM_139241.3); c.1298delC, p.Pro433Leufs (NM_001304481.2); c.299del, p.Pro100fs (NM_001304483.2); c.11del, p.Pro4fs (NM_001304484.2); c.764del, p.Pro255fs (NM_001330373.2, NM_001330374.2, NM_001384130.1); c.491del, p.Pro164fs (NM_001370297.1); c.1454del, p.Pro485fs (NM_001384126.1); short protein forms P255fs, P164fs, P4fs, P348fs, P100fs, P433fs, P485fs.
Identifiers: ClinVar variation 651656 (VCV000651656.6), dbSNP rs1592387932, ClinGen allele CA915948253.
Genomic context (GRCh38, chr12:32,608,004, plus strand): 5'-TTTCTCATTACAGAAACAGAAAATCTGTGGGAGCTTAACTTTGCAGCATCACATGCTAGA[AC>A]CTGTTCAGCGGATTCCCCGGTATGAGATGCTCCTTAAGGACTATCTAAGGAAATTGCCTC-3'

ClinVar aggregate classification (germline): Pathogenic (1 of 4 stars; one submission).

Conditions:
Charcot-Marie-Tooth disease type 4. Also called: Charcot-Marie-Tooth disease, type IV; Charcot-Marie-Tooth, Type 4. Identifiers: Orphanet 64749, MedGen C4082197, MONDO:0018995.

Submission:

Labcorp Genetics (formerly Invitae), Labcorp
Classification: Pathogenic for Charcot-Marie-Tooth disease type 4. Last evaluated: 2018-10-12. Review status: criteria provided, single submitter. Criteria: Invitae Variant Classification Sherloc (09022015). Collection method: clinical testing. Allele origin: germline.
Comment: For these reasons, this variant has been classified as Pathogenic. Loss-of-function variants in FGD4 are known to be pathogenic (PMID: 17564972). This variant has not been reported in the literature in individuals with FGD4-related disease. This variant is not present in population databases (ExAC no frequency). This sequence change creates a premature translational stop signal (p.Pro348Leufs*16) in the FGD4 gene. It is expected to result in an absent or disrupted protein product.

Literature cited by the submitters: PubMed 17564972.